The following is an entry in ClinVar:

NM_001122681.2(SH3BP2):c.1258G>T (p.Gly420Trp)

Gene: SH3BP2 (SH3 domain binding protein 2; plus strand). Cytogenetic location: 4p16.3.
Variant type: single nucleotide variant.
Coding change: c.1258G>T on transcript NM_001122681.2 (MANE Select); coding-DNA position 1258, G replaced by T.
Protein change: p.Gly420Trp; replaces glycine 420 with tryptophan.
Molecular consequence: missense variant.
Genome position (GRCh38, 1-based): chr4:2,831,587, G>T. VCF-style: chr4-2831587-G-T. GRCh37 (hg19) VCF-style: chr4-2833314-G-T.
Other names: c.1342G>T, p.Gly448Trp (NM_001145855.2); c.1429G>T, p.Gly477Trp (NM_001145856.2); c.1258G>T, p.Gly420Trp (NM_003023.4); short protein forms G420W, G448W, G477W.
Identifiers: ClinVar variation 2033942 (VCV002033942.4), dbSNP rs28938170, ClinGen allele CA356057578.

ClinVar aggregate classification (germline): Uncertain significance (1 of 4 stars; one submission).

Conditions:
Fibrous dysplasia of jaw (CRBM). Also called: Cherubism. Identifiers: Orphanet 184, MedGen C0008029, MONDO:0007315, OMIM 118400.

Submission:

Labcorp Genetics (formerly Invitae), Labcorp
Classification: Uncertain significance for Fibrous dysplasia of jaw. Last evaluated: 2025-11-21. Review status: criteria provided, single submitter. Criteria: Invitae Variant Classification Sherloc (09022015). Collection method: clinical testing. Allele origin: germline.
Comment: This sequence change replaces glycine, which is neutral and non-polar, with tryptophan, which is neutral and slightly polar, at codon 420 of the SH3BP2 protein (p.Gly420Trp). This variant is not present in population databases (gnomAD no frequency). This variant has not been reported in the literature in individuals affected with SH3BP2-related conditions. ClinVar contains an entry for this variant (Variation ID: 2033942). Invitae Evidence Modeling of protein sequence and biophysical properties (such as structural, functional, and spatial information, amino acid conservation, physicochemical variation, residue mobility, and thermodynamic stability) indicates that this missense variant is not expected to disrupt SH3BP2 protein function with a negative predictive value of 80%. This variant disrupts the p.Gly420 amino acid residue in SH3BP2. Other variant(s) that disrupt this residue have been determined to be pathogenic (PMID: 12900899, 22153076, 23298620). This suggests that this residue is clinically significant, and that variants that disrupt this residue are likely to be disease-causing. In summary, the available evidence is currently insufficient to determine the role of this variant in disease. Therefore, it has been classified as a Variant of Uncertain Significance.

Literature cited by the submitters: PubMed 12900899; PubMed 22153076; PubMed 23298620.